The following is an entry in ClinVar:

ClinVar aggregate classification (germline): Likely pathogenic (0 of 4 stars; one submission).

Conditions:
Arginase deficiency. Also called: Arginase 1 Deficiency; ARGININEMIA; ARG1 DEFICIENCY. Identifiers: Orphanet 90, MedGen C0268548, MONDO:0008814, OMIM 207800.

Submission:

Department of Medical Genetics, National Institute of Health
Classification: Likely pathogenic for Arginase deficiency. Last evaluated: 2021-10-28. Review status: no assertion criteria provided. Collection method: clinical testing. Allele origin: germline. Inheritance: Autosomal recessive inheritance. Affected: yes. Observed: 1 homozygote.
Comment: Clinical exome sequencing identified a homozygous frameshift c.513dup p.(Lys172Glnfs*25) variant in exon 5 of the ARG1 gene. This variant has not been reported in databases before and was not found in 138 Moroccan clinical exomes (in-house database). It was classified as likely pathogenic according to American College of Medical Genetics and Genomics (ACMG). The genetic diagnosis was compatible with Argininemia phenotype.

NM_000045.4(ARG1):c.513dup (p.Lys172fs)

Genes: ARG1 (arginase 1; plus strand), MED23 (mediator complex subunit 23; minus strand). Cytogenetic location: 6q23.2.
Variant type: Duplication.
Coding change: c.513dup on transcript NM_000045.4 (MANE Select); coding-DNA position 513, one base duplicated (C; older notation c.513dupC).
Protein change: p.Lys172fs; shifts the reading frame from lysine 172.
Molecular consequence: frameshift variant. On other transcripts: non-coding transcript variant (1), intron variant (3).
Genome position (GRCh38, 1-based): chr6:131,582,668, C duplicated; the last of 2 consecutive C bases (chr6:131,582,667-131,582,668); duplicating either gives the same sequence. VCF-style (leftmost placement, unchanged base first): chr6-131582666-G-GC. GRCh37 (hg19) VCF-style: chr6-131903806-G-GC.
Other names: c.537dup, p.Lys180fs (NM_001244438.2); c.306-392dup (NM_001369020.1); c.4077+5042dup (NM_001270521.2); c.4095+5042dup (NM_015979.4); short protein forms K172fs, K180fs.
Identifiers: ClinVar variation 1684534 (VCV001684534.2), dbSNP rs2482379499, ClinGen allele CA2580075126.
Genomic context (GRCh38, chr6:131,582,666, plus strand): 5'-ACATTGTAATTTTAGATTCCCGATGTGCCAGGATTCTCCTGGGTGACTCCCTGTATATCT[G>GC]CCAAGGATATTGTGTATATTGGCTTGAGAGACGTGGACCCTGGGGAACAGTAAGCTTATT-3'